The following is an entry in ClinVar:

NM_203475.3(PORCN):c.268C>T (p.Arg90Ter)

Gene: PORCN (porcupine O-acyltransferase; plus strand). Cytogenetic location: Xp11.23.
Variant type: single nucleotide variant.
Coding change: c.268C>T on transcript NM_203475.3 (MANE Select); coding-DNA position 268, C replaced by T.
Protein change: p.Arg90Ter; replaces arginine 90 with a stop codon.
Molecular consequence: nonsense.
Genome position (GRCh38, 1-based): chrX:48,511,426, C>T. VCF-style: chrX-48511426-C-T. GRCh37 (hg19) VCF-style: chrX-48369814-C-T.
Other names: c.55C>T, p.Arg19Ter (NM_001282167.2); c.268C>T, p.Arg90Ter (NM_022825.4, NM_203473.3, NM_203474.1); c.268C>T (NM_203475.1, NM_203475.2); short protein forms R90*, R19*.
Identifiers: ClinVar variation 242872 (VCV000242872.8), dbSNP rs1114167283, ClinGen allele CA412842186.
Genomic context (GRCh38, chrX:48,511,426, plus strand): 5'-CTGCACATGGTTTGGGTCGTGCTGCTCAGCCTCCTGTGCTACCTCGTGCTGTTCCTCTGC[C>T]GACATTCCTCCCATCGAGGCGTCTTCCTATCCGTCACCATCCTCATCTACCTACTCATGG-3'

ClinVar aggregate classification (germline): Pathogenic. Review status: criteria provided, multiple submitters, no conflicts (2 of 4 stars). 5 submissions from 5 submitters: Pathogenic (4). 1 of the submissions does not count toward it. Last evaluated 2025-06-09.

Conditions:
Focal dermal hypoplasia (FDH). Also called: Goltz syndrome. Identifiers: Orphanet 2092, MedGen C0016395, MONDO:0010592, OMIM 305600.
Inborn genetic diseases. Identifiers: MedGen C0950123, MeSH D030342.

Submissions (5):

3billion
Classification: Pathogenic for Focal dermal hypoplasia. Last evaluated: 2025-06-09. Review status: criteria provided, single submitter. Criteria: ACMG Guidelines, 2015. Collection method: clinical testing. Allele origin: germline. Affected: yes.
Comment: The variant is not observed in the gnomAD v4.1.0 dataset. Predicted Consequence/Location: Stop-gained (nonsense): predicted to result in a loss or disruption of normal protein function through nonsense-mediated decay (NMD) or protein truncation. Multiple pathogenic variants are reported downstream of the variant. The variant has been reported at least twice as pathogenic with clinical assertions and evidence for the classification (ClinVar ID: VCV000242872 /PMID: 17546030). Therefore, this variant is classified as Pathogenic according to the recommendation of ACMG/AMP guideline.

Pittsburgh Clinical Genomics Laboratory, University of Pittsburgh Medical Center
Classification: Pathogenic for Focal dermal hypoplasia. Last evaluated: 2023-12-01. Review status: criteria provided, single submitter. Criteria: ACMG Guidelines, 2015. Collection method: clinical testing. Allele origin: germline. Inheritance: X-linked dominant inheritance. Affected: yes.
Comment: This sequence variant is a single nucleotide substitution (C>T) at coding position 268 of the PORCN gene that changes Arg90 to an early termination codon. As it occurs in exon 3 of 15, this variant is predicted to generate a non-functional allele through either the expression of a truncated protein or a loss of PORCN expression due to nonsense mediated decay. This is a previously reported variant (ClinVar 242872) that has been observed in individuals affected by focal dermal hypoplasia, also referred to as Goltz–Gorlin syndrome (PMID: 19277062, 17546030, 19309688). This variant is absent from the gnomAD v4.0.0 population database (0/1097952 alleles). Haploinsufficiency in PORCN is a known mechanism of disease (PMID: 17546030, 20854095). Based upon the evidence, we consider this variant to be pathogenic. ACMG Criteria: PM2, PP3, PVS1

Victorian Clinical Genetics Services, Murdoch Childrens Research Institute
Classification: Pathogenic for Focal dermal hypoplasia. Last evaluated: 2022-06-24. Review status: criteria provided, single submitter. Criteria: ACMG Guidelines, 2015. Collection method: clinical testing. Allele origin: germline. Inheritance: X-linked dominant inheritance. Affected: yes.
Comment: Based on the classification scheme VCGS_Germline_v1.3.4, this variant is classified as Pathogenic. Following criteria are met: 0102 - Loss of function is a known mechanism of disease in this gene and is associated with focal dermal hypoplasia (MIM#305600). (I) 0110 - This gene is associated with X-linked dominant disease. (I) 0201 - Variant is predicted to cause nonsense-mediated decay (NMD) and loss of protein (premature termination codon is located at least 54 nucleotides upstream of the final exon-exon junction). (SP) 0251 - This variant is heterozygous. (I) 0301 - Variant is absent from gnomAD (both v2 and v3). (SP) 0701 - Other NMD-predicted variants comparable to the one identified in this case have very strong previous evidence for pathogenicity. These variants have been reported as pathogenic, and observed in many individuals with focal dermal hypoplasia (ClinVar, PMID: 25640089). (SP) 0802 - This variant has moderate previous evidence of pathogenicity in unrelated individuals. This variant has been reported in at least two females with focal dermal hypoplasia, where in one individual the variant was mosaic and de novo. In both cases, skewed X-inactivation was reportedly demonstrated (PMID: 17546030, PMID: 19277062). (SP) 1102 - Strong phenotype match for this individual. (SP) Legend: (SP) - Supporting pathogenic, (I) - Information, (SB) - Supporting benign

Ambry Genetics
Classification: Pathogenic for Inborn genetic diseases. Last evaluated: 2018-05-11. Review status: criteria provided, single submitter. Criteria: Ambry Variant Classification Scheme 2023. Collection method: clinical testing. Allele origin: germline.
Comment: The p.R90* pathogenic mutation (also known as c.268C>T), located in coding exon 2 of the PORCN gene, results from a C to T substitution at nucleotide position 268. This changes the amino acid from an arginine to a stop codon within coding exon 2. This mutation was identified in multiple individuals with focal dermal hypoplasia (Wang X et al. Nat. Genet., 2007 Jul;39:836-8; Bornholdt D et al. Hum. Mutat., 2009 May;30:E618-28; Harmsen MB et al. Eur. J. Hum. Genet., 2009 Oct;17:1207-15). In addition to the clinical data presented in the literature, this alteration is expected to result in loss of function by premature protein truncation or nonsense-mediated mRNA decay. As such, this alteration is interpreted as a disease-causing mutation.

Lupski Lab, Baylor-Hopkins CMG, Baylor College of Medicine
Classification: Pathogenic for Focal dermal hypoplasia. Last evaluated: 2016-01-10. Review status: no assertion criteria provided. Collection method: research. Allele origin: de novo. Inheritance: Autosomal dominant inheritance. Affected: yes. Observed: 1 variant allele, 1 heterozygote. Study: The combination of WES, CNV-derived from WES, paralog studies, and GeneMatcher provide potential molecular diagnosis in a cohort from Saudi Arabia. Not counted in ClinVar's aggregate classification.

Literature cited by the submitters: PubMed 17546030 (cited by 4 submitters); PubMed 20854095 (cited by Pittsburgh Clinical Genomics Laboratory, University of Pittsburgh Medical Center); PubMed 19309688 (cited by Pittsburgh Clinical Genomics Laboratory, University of Pittsburgh Medical Center and Ambry Genetics); PubMed 19277062 (cited by 3 submitters); PubMed 25640089 (cited by Victorian Clinical Genetics Services, Murdoch Childrens Research Institute).